The following is an entry in ClinVar:

ClinVar aggregate classification (germline): Likely pathogenic (1 of 4 stars; one submission).

Conditions:
Alport syndrome. Also called: Hemorrhagic familial nephritis; Hemorrhagic hereditary nephritis; Congenital hereditary hematuria. Identifiers: Orphanet 63, MedGen C1567741, MONDO:0018965.

Submission:

Natera, Inc.
Classification: Likely pathogenic for Alport syndrome. Last evaluated: 2025-07-02. Review status: criteria provided, single submitter. Criteria: Natera Variant Classification Schema (03/2026). Collection method: clinical testing. Allele origin: germline.
Comment: The c.594+5G>A variant in COL4A4 is an intronic variant located outside the canonical splice sites. This variant is rare in the general population with a frequency below the threshold expected for the associated phenotype(s). This variant has been observed in one or more individuals affected with the associated recessive disease, as either homozygous or compound heterozygous with a second variant (PMID: 35369551). Additionally, this variant has been observed to segregate in affected family members (PMID: 35369551). Computational prediction algorithms indicate this variant is likely to affect gene or protein function. Given the available evidence, this variant is classified as Likely Pathogenic.

Literature cited by the submitters: PubMed 35369551.

NM_000092.5(COL4A4):c.594+5G>A

Gene: COL4A4 (collagen type IV alpha 4 chain; minus strand). Cytogenetic location: 2q36.3.
Variant type: single nucleotide variant.
Coding change: c.594+5G>A on transcript NM_000092.5 (MANE Select); 5 bases into the intron after coding-DNA position 594, G replaced by A.
Molecular consequence: intron variant.
Genome position (GRCh38, 1-based): chr2:227,111,673, C>T on the plus strand (G>A on the coding strand, the complement: COL4A4 is on the minus strand). VCF-style: chr2-227111673-C-T. GRCh37 (hg19) VCF-style: chr2-227976389-C-T.
Identifiers: ClinVar variation 4817347 (VCV004817347.1).
Genomic context (GRCh38, chr2:227,111,673, plus strand): 5'-TAAAACGTGGATCATAGGCTATTTGAGGAGGAAATAGAAGCATAGAGCCTGCTCAGGAGA[C>T]TTACTGGTAAGCCAGGCAGTCCTGGGTCCCCTCTGTCTCCCTGCAAAAATAAGAATGCAT-3'